The following is an entry in ClinVar:

NM_004415.4(DSP):c.827_830del (p.Ile276fs)

Gene: DSP (desmoplakin; plus strand). Cytogenetic location: 6p24.3.
Variant type: Deletion.
Coding change: c.827_830del on transcript NM_004415.4 (MANE Select); coding-DNA positions 827 to 830, 4 bases deleted (TTCA; older notation c.827_830delTTCA).
Protein change: p.Ile276fs; shifts the reading frame from isoleucine 276.
Molecular consequence: frameshift variant.
Genome position (GRCh38, 1-based): chr6:7,565,408-7,565,411, TTCA deleted; deleting any 4 consecutive bases within chr6:7,565,405-7,565,411 gives the same sequence; the c. name uses the placement nearest the transcript's 3' end. VCF-style (leftmost placement, unchanged base first): chr6-7565404-ATCAT-A. GRCh37 (hg19) VCF-style: chr6-7565637-ATCAT-A.
Other names: c.827_830del, p.Ile276fs (NM_001008844.3, NM_001319034.2); short protein forms I276fs.
Identifiers: ClinVar variation 834988 (VCV000834988.8), dbSNP rs1758828907, ClinGen allele CA916081475.

ClinVar aggregate classification (germline): Pathogenic (1 of 4 stars; one submission).

Conditions:
Arrhythmogenic cardiomyopathy with wooly hair and keratoderma. Also called: PALMOPLANTAR KERATODERMA WITH LEFT VENTRICULAR CARDIOMYOPATHY AND WOOLLY HAIR; Carvajal syndrome; Dilated cardiomyopathy with woolly hair and keratoderma; Arrhythmogenic cardiomyopathy with woolly hair and keratoderma. Identifiers: Orphanet 65282, MedGen C1854063, MONDO:0011581, OMIM 605676.
Arrhythmogenic right ventricular dysplasia 8 (ARVD8). Also called: ARRHYTHMOGENIC RIGHT VENTRICULAR DYSPLASIA, FAMILIAL, 8; Arrhythmogenic Right Ventricular Dysplasia/Cardiomyopathy 8; ARRHYTHMOGENIC RIGHT VENTRICULAR CARDIOMYOPATHY 8. Identifiers: MedGen C1843896, MONDO:0011831, OMIM 607450.

Submission:

Labcorp Genetics (formerly Invitae), Labcorp
Classification: Pathogenic for Arrhythmogenic cardiomyopathy with wooly hair and keratoderma; Arrhythmogenic right ventricular dysplasia 8. Last evaluated: 2021-09-18. Review status: criteria provided, single submitter. Criteria: Invitae Variant Classification Sherloc (09022015). Collection method: clinical testing. Allele origin: germline.
Comment: This sequence change creates a premature translational stop signal (p.Ile276Argfs*40) in the DSP gene. It is expected to result in an absent or disrupted protein product. This variant is not present in population databases (ExAC no frequency). This variant has not been reported in the literature in individuals with DSP-related conditions. Loss-of-function variants in DSP are known to be pathogenic (PMID: 20716751, 24503780, 25227139). For these reasons, this variant has been classified as Pathogenic.

Literature cited by the submitters: PubMed 20716751; PubMed 24503780; PubMed 25227139.